The following is an entry in ClinVar:

ClinVar aggregate classification (germline): Uncertain significance (1 of 4 stars; one submission).

Allele frequency attached by ClinVar (database versions not stated): gnomAD exomes below 0.00001.
gnomAD v4.1: 3 of 1,614,176 alleles (0.00019%); highest among the groups gnomAD compares: Non-Finnish European, 0.00025%; no homozygotes.

Submission:

Labcorp Genetics (formerly Invitae), Labcorp
Classification: Uncertain significance. Last evaluated: 2022-03-27. Review status: criteria provided, single submitter. Criteria: Invitae Variant Classification Sherloc (09022015). Collection method: clinical testing. Allele origin: germline.
Comment: In summary, the available evidence is currently insufficient to determine the role of this variant in disease. Therefore, it has been classified as a Variant of Uncertain Significance. Algorithms developed to predict the effect of missense changes on protein structure and function output the following: SIFT: "Tolerated"; PolyPhen-2: "Benign"; Align-GVGD: "Class C0". The cysteine amino acid residue is found in multiple mammalian species, which suggests that this missense change does not adversely affect protein function. This variant has not been reported in the literature in individuals affected with COQ6-related conditions. This variant is not present in population databases (gnomAD no frequency). This sequence change replaces tyrosine, which is neutral and polar, with cysteine, which is neutral and slightly polar, at codon 141 of the COQ6 protein (p.Tyr141Cys).

NM_182476.3(COQ6):c.422A>G (p.Tyr141Cys)

Genes: COQ6 (coenzyme Q6, monooxygenase; plus strand), ENTPD5 (ectonucleoside triphosphate diphosphohydrolase 5; minus strand). Cytogenetic location: 14q24.3.
Variant type: single nucleotide variant.
Coding change: c.422A>G on transcript NM_182476.3 (MANE Select); coding-DNA position 422, A replaced by G.
Protein change: p.Tyr141Cys; replaces tyrosine 141 with cysteine.
Molecular consequence: missense variant. On other transcripts: intron variant (3).
Genome position (GRCh38, 1-based): chr14:73,955,869, A>G. VCF-style: chr14-73955869-A-G. GRCh37 (hg19) VCF-style: chr14-74422572-A-G.
Other names: c.347A>G, p.Tyr116Cys (NM_182480.3, NM_001425258.1); c.357+360A>G (NM_001425262.1); c.1201-282T>C (NM_001382258.1); c.1201-41T>C (NM_001382262.1); c.422A>G, p.Tyr141Cys (NM_001425255.1, NM_001425256.1); c.257A>G, p.Tyr86Cys (NM_001425257.1); c.197A>G, p.Tyr66Cys (NM_001425259.1, NM_001425260.1, NM_001425261.1); c.95A>G, p.Tyr32Cys (NM_001425263.1); and 1 more; short protein forms Y141C, Y116C.
Identifiers: ClinVar variation 2118560 (VCV002118560.4), dbSNP rs2503018624, ClinGen allele CA390374528.
Genomic context (GRCh38, chr14:73,955,869, plus strand): 5'-GGGACGCCTGCTCAGAGGCCCTGATAATGTTTGATAAGGATAATTTAGATGACATGGGCT[A>G]TATCGTGGAGAATGATGTCATCATGCATGCTCTCACTAAGCAGTTGGAGGCTGTGTCTGG-3'
Protein context (NP_872282.1, residues 131-151): FDKDNLDDMG[Tyr141Cys]IVENDVIMHA